The following is an entry in ClinVar:

ClinVar aggregate classification (germline): Uncertain significance (1 of 4 stars; one submission).

Conditions:
Mitochondrial DNA depletion syndrome 13. Also called: FBXL4-Related Encephalomyopathic Mitochondrial DNA Depletion Syndrome; Mitochondrial DNA depletion syndrome 13 (encephalomyopathic type). Identifiers: Orphanet 369897, MedGen C3809592, MONDO:0014198, OMIM 615471.

Allele frequency attached by ClinVar (database versions not stated): gnomAD exomes below 0.00001; ExAC 0.00001.
gnomAD v4.1: 1 of 1,613,966 alleles (0.000062%); highest among the groups gnomAD compares: South Asian, 0.0011%; no homozygotes.

Submission:

Wong Mito Lab, Molecular and Human Genetics, Baylor College of Medicine
Classification: Uncertain significance for Mitochondrial DNA depletion syndrome 13. Last evaluated: 2017-08-10. Review status: criteria provided, single submitter. Criteria: ACMG Guidelines, 2015. Collection method: reference population. Allele origin: germline.
Comment: The NM_012160.4:c.23T>C (NP_036292.2:p.Leu8Ser) [GRCH38: NC_000006.12:g.98926966A>G] variant in FBXL4 gene is interpretated to be a Uncertain Significance - Insufficient Evidence based on ACMG guidelines (PMID: 25741868). This variant meets one or more of the following evidence codes reported in the ACMG-guideline. PM2:This variant is absent in key population databases. Based on this evidence code ClinGen Pathogenicity Calculator (PMID:28081714) suggested that the variant is Uncertain Significance - Insufficient Evidence.

NM_001278716.2(FBXL4):c.23T>C (p.Leu8Ser)

Gene: FBXL4 (F-box and leucine rich repeat protein 4; minus strand). Cytogenetic location: 6q16.2.
Variant type: single nucleotide variant.
Coding change: c.23T>C on transcript NM_001278716.2 (MANE Select); coding-DNA position 23, T replaced by C.
Protein change: p.Leu8Ser; replaces leucine 8 with serine.
Molecular consequence: missense variant. On other transcripts: non-coding transcript variant (2).
Genome position (GRCh38, 1-based): chr6:98,926,966, A>G on the plus strand (T>C on the coding strand, the complement: FBXL4 is on the minus strand). VCF-style: chr6-98926966-A-G. GRCh37 (hg19) VCF-style: chr6-99374842-A-G.
Other names: c.23T>C, p.Leu8Ser (NM_012160.5); short protein forms L8S.
Identifiers: ClinVar variation 437515 (VCV000437515.1), dbSNP rs746000252, ClinGen allele CA3933761.